The following is an entry in ClinVar:

NM_000059.4(BRCA2):c.5323G>C (p.Val1775Leu)

Gene: BRCA2 (BRCA2 DNA repair associated; plus strand). Cytogenetic location: 13q13.1.
Variant type: single nucleotide variant.
Coding change: c.5323G>C on transcript NM_000059.4 (MANE Select); coding-DNA position 5323, G replaced by C.
Protein change: p.Val1775Leu; replaces valine 1775 with leucine.
Molecular consequence: missense variant.
Genome position (GRCh38, 1-based): chr13:32,339,678, G>C. VCF-style: chr13-32339678-G-C. GRCh37 (hg19) VCF-style: chr13-32913815-G-C.
Other names: short protein forms V1775L.
Identifiers: ClinVar variation 559991 (VCV000559991.3), dbSNP rs1555284171, ClinGen allele CA387784904.
Genomic context (GRCh38, chr13:32,339,678, plus strand): 5'-GAGGTATATAATGATTCAGGATATCTCTCAAAAAATAAACTTGATTCTGGTATTGAGCCA[G>C]TATTGAAGAATGTTGAAGATCAAAAAAACACTAGTTTTTCCAAAGTAATATCCAATGTAA-3'
Protein context (NP_000050.3, residues 1765-1785): KNKLDSGIEP[Val1775Leu]LKNVEDQKNT

ClinVar aggregate classification (germline): Likely benign. Review status: criteria provided, single submitter (1 of 4 stars). 2 submissions from 2 submitters: Likely benign (1). 1 of the submissions does not count toward it. Last evaluated 2023-03-23.

Conditions:
Hereditary cancer-predisposing syndrome. Also called: Hereditary neoplastic syndrome; Neoplastic Syndromes, Hereditary; Tumor predisposition; Hereditary Cancer Syndrome. Identifiers: Orphanet 140162, MedGen C0027672, MeSH D009386, MONDO:0015356.
Malignant tumor of esophagus. Also called: Esophageal cancer; Esophageal cancer, somatic. Identifiers: Orphanet 99977, MedGen C0546837, MONDO:0007576, OMIM 133239.

Allele frequency attached by ClinVar (database versions not stated): gnomAD exomes below 0.00001.
gnomAD v4.1: 1 of 1,612,414 alleles (0.000062%); highest among the groups gnomAD compares: Non-Finnish European, 0.000085%; no homozygotes.

Submissions (2):

University of Washington Department of Laboratory Medicine, University of Washington
Classification: Likely benign for Hereditary cancer-predisposing syndrome. Last evaluated: 2023-03-23. Review status: criteria provided, single submitter. Criteria: Dines et al. (Genet Med. 2020). Collection method: curation. Allele origin: germline.
Comment: Missense variant in a coldspot region where missense variants are very unlikely to be pathogenic (PMID:31911673).

BRCA2 exon 11 coldspot. Reclassification based on statistical prior probability.

3DMed Clinical Laboratory Inc
Classification: Uncertain significance for Malignant tumor of esophagus. Last evaluated: 2017-06-21. Review status: no assertion criteria provided. Criteria: ACMG Guidelines, 2015. Collection method: clinical testing. Allele origin: germline. Affected: yes. Not counted in ClinVar's aggregate classification.